The following is an entry in ClinVar:

NM_004364.5(CEBPA):c.695T>C (p.Val232Ala)

Gene: CEBPA (CCAAT enhancer binding protein alpha; minus strand). Cytogenetic location: 19q13.11.
Variant type: single nucleotide variant.
Coding change: c.695T>C on transcript NM_004364.5 (MANE Select); coding-DNA position 695, T replaced by C.
Protein change: p.Val232Ala; replaces valine 232 with alanine.
Molecular consequence: missense variant.
Genome position (GRCh38, 1-based): chr19:33,301,720, A>G on the plus strand (T>C on the coding strand, the complement: CEBPA is on the minus strand). VCF-style: chr19-33301720-A-G. GRCh37 (hg19) VCF-style: chr19-33792626-A-G.
Other names: c.338T>C, p.Val113Ala (NM_001285829.2); c.800T>C, p.Val267Ala (NM_001287424.2); c.653T>C, p.Val218Ala (NM_001287435.2); short protein forms V267A, V113A, V218A, V232A.
Identifiers: ClinVar variation 657020 (VCV000657020.9), dbSNP rs1600022098, ClinGen allele CA405274399.

ClinVar aggregate classification (germline): Uncertain significance (1 of 4 stars; one submission).

Conditions:
Acute myeloid leukemia (AML). Also called: Acute myeloid leukemia, adult; AML adult; Acute non-lymphocytic leukemia; Acute granulocytic leukemia; Leukemia, acute myeloid, somatic; Leukemia, acute myelogenous, somatic. Identifiers: Orphanet 519, MedGen C0023467, MeSH D015470, MONDO:0018874, OMIM 601626, HP:0004808. Disease mechanism: Constitutively activated FLT3.

Submission:

Labcorp Genetics (formerly Invitae), Labcorp
Classification: Uncertain significance for Acute myeloid leukemia. Last evaluated: 2018-10-23. Review status: criteria provided, single submitter. Criteria: Invitae Variant Classification Sherloc (09022015). Collection method: clinical testing. Allele origin: germline.
Comment: In summary, the available evidence is currently insufficient to determine the role of this variant in disease. Therefore, it has been classified as a Variant of Uncertain Significance. Algorithms developed to predict the effect of missense changes on protein structure and function are either unavailable or do not agree on the potential impact of this missense change (SIFT: "Tolerated"; PolyPhen-2: "Probably Damaging"; Align-GVGD: "Class C0"). This variant has not been reported in the literature in individuals with CEBPA-related disease. The frequency data for this variant in the population databases is considered unreliable, as metrics indicate insufficient coverage at this position in the ExAC database. This sequence change replaces valine with alanine at codon 232 of the CEBPA protein (p.Val232Ala). The valine residue is moderately conserved and there is a small physicochemical difference between valine and alanine.